The following is an entry in ClinVar:

ClinVar aggregate classification (germline): Pathogenic. Review status: criteria provided, multiple submitters, no conflicts (2 of 4 stars). 10 submissions from 10 submitters: Pathogenic (10). Last evaluated 2026-05-27.

Conditions:
SLC2A1-related disorder. Also called: SLC2A1-related condition; SLC2A1-related disorders.
Inborn genetic diseases. Identifiers: MedGen C0950123, MeSH D030342.
GLUT1 deficiency syndrome 1, autosomal recessive. Identifiers: MedGen C3149117.
Encephalopathy due to GLUT1 deficiency. Also called: De Vivo disease; GLUT1 deficiency syndrome 1; GLUT1 deficiency syndrome 1, infantile onset, severe; Classic Glucose Transporter Type 1 Deficiency Syndrome; GLUCOSE TRANSPORT DEFECT, BLOOD-BRAIN BARRIER; Glucose transporter protein syndrome. Identifiers: Orphanet 71277, MedGen C4551966, MONDO:0011724, OMIM 606777.

Submissions (10):

Ambry Genetics
Classification: Pathogenic for Inborn genetic diseases. Last evaluated: 2026-05-27. Review status: criteria provided, single submitter. Criteria: Ambry Variant Classification Scheme 2023. Collection method: clinical testing. Allele origin: germline.
Comment: The c.680-11G>A intronic variant consists of a G to A substitution 11 nucleotides before exon 6 (coding exon 6) in the SLC2A1 gene. This variant was not reported in population-based cohorts in the Genome Aggregation Database (gnomAD). This variant was reported in individual(s) with features consistent with GLUT1 deficiency syndrome; in at least one individual, it was determined to be de novo (Suls, 2009; Leen, 2010; Hully, 2015; Szczepanik, 2015; Qian, 2024; Ambry internal data). This nucleotide position is well conserved in available vertebrate species. The p.V227 and p.L228 amino acids are located in a highly conserved protein kinase C (PKC) motif, which surrounds the p.S226 residue. The p.S226 residue is phosphorylated by PKC, and this phosphorylation is required for rapid increases in glucose transport (Lee, 2015). Functional analysis in lymphoblast cells from an affected individual with the de novo SLC2A1 c.680-11G>A alteration revealed aberrant mRNA splicing. The c.680-11G>A alteration was found to result in a 9bp in-frame insertion before exon 6, which indicates that this intronic alteration results in the utilization of a cryptic acceptor splice site within intron 5. This 9bp insertion results in an insertion of three amino acids (p.227_228PPV) in the cytoplasmic loop connecting transmembrane domains 6 and 7 (Suls, 2009). Additional in vitro analysis of the c.680-11G>A (p.227_228PPV) alteration revealed that mutant proteins containing this alteration were not efficiently phosphorylated by Protein Kinase C (PKC) and showed decreased responsiveness to 12-O-tetradecanoyl-phorbol-13-acetate (TPA). In silico splice site analysis predicts that this alteration will weaken the native splice acceptor site and will result in the creation or strengthening of a novel splice acceptor site. Based on the available evidence, this alteration is classified as pathogenic.

3billion
Classification: Pathogenic for SLC2A1-related disorder. Last evaluated: 2025-10-07. Review status: criteria provided, single submitter. Criteria: ACMG Guidelines, 2015. Collection method: clinical testing. Allele origin: germline. Affected: yes.
Comment: The variant is not observed in the gnomAD v4.1.0 dataset. Predicted Consequence/Location: Intron variant Functional studies provide moderate evidence of the variant having a damaging effect on the gene or gene product (PMID: 19798636). In silico tools predict the variant to alter splicing and produce an abnormal transcript [SpliceAI: 1.00 (>=0.2, moderate evidence for spliceogenicity)]. The variant has been observed in at least two similarly affected unrelated individuals (PMID: 19798636, 26193382). The variant has been reported at least twice as pathogenic with clinical assertions and evidence for the classification (ClinVar ID: VCV000521457 /PMID: 19798636). Therefore, this variant is classified as Pathogenic according to the recommendation of ACMG/AMP guideline.

Labcorp Genetics (formerly Invitae), Labcorp
Classification: Pathogenic for GLUT1 deficiency syndrome 1, autosomal recessive. Last evaluated: 2025-03-15. Review status: criteria provided, single submitter. Criteria: Invitae Variant Classification Sherloc (09022015). Collection method: clinical testing. Allele origin: germline.
Comment: This sequence change falls in intron 5 of the SLC2A1 gene. It does not directly change the encoded amino acid sequence of the SLC2A1 protein. This variant is not present in population databases (gnomAD no frequency). This variant has been observed in individual(s) with clinical features of GLUT1 deficiency syndrome (PMID: 19798636, 26193382, 26982753; internal data). In at least one individual the variant was observed to be de novo. ClinVar contains an entry for this variant (Variation ID: 521457). Algorithms developed to predict the effect of variants on gene product structure and function are not available or were not evaluated for this variant. Experimental studies have shown that this variant affects SLC2A1 function (PMID: 25982116). Algorithms developed to predict the effect of sequence changes on RNA splicing suggest that this variant may disrupt the consensus splice site. For these reasons, this variant has been classified as Pathogenic.

CeGaT Center for Human Genetics Tuebingen
Classification: Pathogenic. Last evaluated: 2025-03-01. Review status: criteria provided, single submitter. Criteria: CeGaT Center For Human Genetics Tuebingen Variant Classification Criteria Version 2. Collection method: clinical testing. Allele origin: germline. Affected: yes. Observed: 2 variant alleles.
Comment: SLC2A1: PM6:Strong, PM2, PS4:Moderate, PP3, PS3:Supporting

Laboratory of Genetics, Children's Clinical University Hospital Latvia
Classification: Pathogenic. Last evaluated: 2025-02-16. Review status: criteria provided, single submitter. Criteria: ACMG Guidelines, 2015. Collection method: clinical testing. Allele origin: germline. Affected: yes.

Victorian Clinical Genetics Services, Murdoch Childrens Research Institute
Classification: Pathogenic for Encephalopathy due to GLUT1 deficiency. Last evaluated: 2024-10-29. Review status: criteria provided, single submitter. Criteria: ACMG Guidelines, 2015. Collection method: clinical testing. Allele origin: germline.
Comment: This variant is classified as Pathogenic. Evidence in support of pathogenic classification: Non-coding variant with predicted effect. RT-PCR on patient-derived cells indicates that c.680-11G>A activates a cryptic splice acceptor site within intron 5, resulting in an in-frame 9-bp insertion in front of exon 6; however, no data was shown (PMID: 19798636). - Variant is absent from gnomAD (v2, v3 and v4); This variant has strong previous evidence of pathogenicity in unrelated individuals. This variant has been classified as pathogenic by multiple clinical laboratories in ClinVar and has been reported in the literature in individuals with early onset absence epilepsy and classic glucose transporter type 1 deficiency syndrome (PMIDs: 19798636, 39092009). Additional information: This gene is associated with autosomal dominant disease. Most individuals have autosomal dominant disease, but rare cases are described with an autosomal recessive mode of inheritance (PMID: 31196579); Loss of function is a known mechanism of disease in this gene and is associated with SLC2A1-related disease (OMIM); The condition associated with this gene has incomplete penetrance. Incomplete penetrance has been reported in families with GLUT1 deficiency syndrome or epilepsy, who were heterozygous for pathogenic missense variants (OMIM, PMID:18451999); Variants in this gene are known to have variable expressivity (PMID: 20129935). - Inheritance information for this variant is not currently available in this individual.

Blueprint Genetics
Classification: Pathogenic for SLC2A1-related disorders. Last evaluated: 2024-09-11. Review status: criteria provided, single submitter. Criteria: ACMG Guidelines, 2015. Collection method: clinical testing. Allele origin: germline. Affected: yes. Observed: 3 variant alleles.

Genome-Nilou Lab
Classification: Pathogenic for Encephalopathy due to GLUT1 deficiency. Last evaluated: 2023-04-11. Review status: criteria provided, single submitter. Criteria: ACMG Guidelines, 2015. Collection method: clinical testing. Allele origin: germline. Affected: no.

GeneDx
Classification: Pathogenic. Last evaluated: 2023-03-06. Review status: criteria provided, single submitter. Criteria: GeneDx Variant Classification Process June 2021. Collection method: clinical testing. Allele origin: germline. Affected: yes.
Comment: Published functional studies demonstrate that c.680-11 G>A impairs phosphorylation and 12-O-tetradecanoyl-phorbol-13-acetate-induced glucose transport (Lee et al., 2015); RNA studies indicates that c.680-11 G>A activates a cryptic splice acceptor site which supplants the natural splice acceptor site of intron 5 (Suls et al., 2009); Not observed in large population cohorts (gnomAD); This variant is associated with the following publications: (PMID: 28717674, 26193382, 26982753, 8717674, 33726816, 31440721, 19798636, 25982116)

Eurofins Ntd Llc (ga)
Classification: Pathogenic. Last evaluated: 2018-02-14. Review status: criteria provided, single submitter. Criteria: EGL ClinVar v180209 classification definitions. Collection method: clinical testing. Allele origin: germline. Observed: 1 variant allele, 1 heterozygote.

Literature cited by the submitters: PubMed 19798636 (cited by 4 submitters); PubMed 20129935 (cited by Ambry Genetics and Victorian Clinical Genetics Services, Murdoch Childrens Research Institute); PubMed 25982116 (cited by Ambry Genetics and Labcorp Genetics (formerly Invitae), Labcorp); PubMed 26193382 (cited by 3 submitters); PubMed 26982753 (cited by Ambry Genetics and Labcorp Genetics (formerly Invitae), Labcorp); PubMed 39092009 (cited by Ambry Genetics and Victorian Clinical Genetics Services, Murdoch Childrens Research Institute); PubMed 18451999 (cited by Victorian Clinical Genetics Services, Murdoch Childrens Research Institute); PubMed 31196579 (cited by Victorian Clinical Genetics Services, Murdoch Childrens Research Institute).

NM_006516.4(SLC2A1):c.680-11G>A

Gene: SLC2A1 (solute carrier family 2 member 1; minus strand). Cytogenetic location: 1p34.2.
Variant type: single nucleotide variant.
Coding change: c.680-11G>A on transcript NM_006516.4 (MANE Select); 11 bases into the intron before coding-DNA position 680, G replaced by A.
Molecular consequence: intron variant.
Genome position (GRCh38, 1-based): chr1:42,929,791, C>T on the plus strand (G>A on the coding strand, the complement: SLC2A1 is on the minus strand). VCF-style: chr1-42929791-C-T. GRCh37 (hg19) VCF-style: chr1-43395462-C-T.
Identifiers: ClinVar variation 521457 (VCV000521457.51), dbSNP rs1259158687, ClinGen allele CA658795442.
Genomic context (GRCh38, chr1:42,929,791, plus strand): 5'-CTCCTGCAGGTCATGGGTCACGTCAGCTGTCCCGCGCAGCTTCTTTAGCACTGGGGGGAC[C>T]GGAGGGAAGGTGAGGGTGGCTCAGAGTGGGAAGAAGGCCAGGGCTCAGGGAGTGGGGAGG-3'